The following is an entry in ClinVar:

ClinVar aggregate classification (germline): Benign/Likely benign. Review status: criteria provided, multiple submitters, no conflicts (2 of 4 stars). 4 submissions from 4 submitters: Benign (1); Likely benign (3). Last evaluated 2025-07-29.

Conditions:
Pseudohypoaldosteronism type 2B (PHA2B). Also called: Pseudohypoaldosteronism Type IIB. Identifiers: Orphanet 757, Orphanet 88939, MedGen C1840390, MONDO:0013777, OMIM 614491.

Allele frequency attached by ClinVar (database versions not stated): gnomAD exomes 0.00002 and 0.00008; gnomAD 0.00006 and 0.00007; ExAC 0.00008; TOPMed 0.00015; 1000 Genomes Project 0.00020; 1000 Genomes Project 30x 0.00031.
gnomAD v4.1: 142 of 1,611,526 alleles (0.0088%); highest among the groups gnomAD compares: East Asian, 0.067%; 3 homozygotes.

Submissions (4):

Labcorp Genetics (formerly Invitae), Labcorp
Classification: Likely benign. Last evaluated: 2025-07-29. Review status: criteria provided, single submitter. Criteria: Invitae Variant Classification Sherloc (09022015). Collection method: clinical testing. Allele origin: germline.

Blueprint Genetics
Classification: Likely benign. Last evaluated: 2024-10-28. Review status: criteria provided, single submitter. Criteria: ACMG Guidelines, 2015. Collection method: clinical testing. Allele origin: germline.

Fulgent Genetics
Classification: Likely benign for Pseudohypoaldosteronism type 2B. Last evaluated: 2021-12-08. Review status: criteria provided, single submitter. Criteria: ACMG Guidelines, 2015. Collection method: clinical testing. Allele origin: unknown.

Illumina Laboratory Services, Illumina
Classification: Benign for Pseudohypoaldosteronism type 2B. Last evaluated: 2018-01-13. Review status: criteria provided, single submitter. Criteria: ICSL Variant Classification Criteria 13 December 2019. Collection method: clinical testing. Allele origin: germline.
Comment: This variant was observed in the ICSL laboratory as part of a predisposition screen in an ostensibly healthy population. It had not been previously curated by ICSL or reported in the Human Gene Mutation Database (HGMD: prior to June 1st, 2018), and was therefore a candidate for classification through an automated scoring system. Utilizing variant allele frequency, disease prevalence and penetrance estimates, and inheritance mode, an automated score was calculated to assess if this variant is too frequent to cause the disease. Based on the score and internal cut-off values, a variant classified as benign is not then subjected to further curation. The score for this variant resulted in a classification of benign for this disease.

NM_032387.5(WNK4):c.1827A>G (p.Pro609=)

Gene: WNK4 (WNK lysine deficient protein kinase 4; plus strand). Cytogenetic location: 17q21.2.
Variant type: single nucleotide variant.
Coding change: c.1827A>G on transcript NM_032387.5 (MANE Select); coding-DNA position 1827, A replaced by G.
Protein change: p.Pro609=; no amino-acid change (proline 609 retained).
Molecular consequence: synonymous variant.
Genome position (GRCh38, 1-based): chr17:42,787,863, A>G. VCF-style: chr17-42787863-A-G. GRCh37 (hg19) VCF-style: chr17-40939881-A-G.
Other names: c.819A>G, p.Pro273= (NM_001321299.2).
Identifiers: ClinVar variation 323329 (VCV000323329.13), dbSNP rs201340788, ClinGen allele CA8584109.
Genomic context (GRCh38, chr17:42,787,863, plus strand): 5'-CAGCTCCTCCGGCTTCCTGGATGCCTCAGACCCTGCCCTTCAGCCCCCTGGGGGGGTGCC[A>G]TCCAGCCTGGCTGAGTCCCATCTCTGCCTGCCCTCGGTGAGAGGGGGTCGCATGGGGGGC-3'
Protein context (NP_115763.2, residues 599-619): DPALQPPGGV[Pro609=]SSLAESHLCL